The following is an entry in ClinVar:

ClinVar aggregate classification (germline): Pathogenic. Review status: reviewed by expert panel (3 of 4 stars). 4 submissions from 3 submitters: Pathogenic (1). 3 of the submissions do not count toward it. Last evaluated 2021-08-18.

Conditions:
Type 1 diabetes mellitus 20 (T1D20). Also called: Diabetes mellitus, insulin-dependent, 20. Identifiers: MedGen C2675866, MONDO:0012919, OMIM 612520.
Monogenic diabetes. Identifiers: Orphanet 183625, MedGen C3888631, MONDO:0015967.
Maturity-onset diabetes of the young (MODY). Also called: Maturity onset diabetes mellitus in young. Identifiers: Orphanet 552, MedGen C0342276, MONDO:0018911, HP:0004904.
Maturity-onset diabetes of the young type 3. Also called: MODY type 3; MODY, type III. Identifiers: Orphanet 552, MedGen C1838100, MeSH C563933, MONDO:0010894, OMIM 600496. Disease mechanism: loss of function.

Allele frequency attached by ClinVar (database versions not stated): gnomAD exomes below 0.00001.

Submissions (4):

ClinGen Monogenic Diabetes Variant Curation Expert Panel
Classification: Pathogenic for Monogenic diabetes. Last evaluated: 2021-08-18. Review status: reviewed by expert panel. Criteria: ClinGen Diabetes ACMG Specifications v1 1. Collection method: curation. Allele origin: germline. Inheritance: Autosomal dominant inheritance.
Comment: The c.58G>A variant in the HNF1 homeobox A gene, HNF1A, causes an amino acid change of glycine to arginine at codon 20 (p.(G20R)) of NM_000545.8. This variant is located within the dimerization domain (codons 1-32) of HNF1A, which is defined as critical for the protein’s function by the ClinGen MDEP (PM1_Supporting). This variant is predicted to be deleterious by computational evidence, with a REVEL score of 0.956, which is greater than the MDEP threshold of 0.70 (PP3), and functional studies demonstrated the p.Gly20Arg protein has transactivation below 40% of wildtype, indicating that this variant impacts protein function (PS3_Supporting; PMID:12107757). This variant is absent in the gnomAD v2.1.1 European non-Finnish population and has one copy in another subpopulation, which is less than the ClinGen MDEP threshold for PM2_Supporting (≤0.00002 and ≤1 copy in any other subpopulation) (PM2_Supporting). This variant was identified in an individual with a clinical history highly specific for HNF1A-MODY (MODY probability calculator result >50%, negative genetic testing for HNF4A, and sulfonylurea sensitive) (PP4_Moderate; internal lab contributor), with at least one of these individuals having a clinical history highly specific for HNF1A-MODY (MODY probability calculator result >50%, negative genetic testing for HNF4A, and sulfonylurea sensitive) (PP4_Moderate; internal lab contributor). This variant segregated with diabetes, with at least 5 informative meioses in two families with MODY (PP1_Strong; PMID:15657605, internal lab contributors). Taken together, this evidence supports the classification of this variant as pathogenic for monogenic diabetes. ACMG/AMP criteria applied, as specified by the ClinGen MDEP VCEP (specification version 1.0): PP1_Strong, PP4_Moderate, PS4_Moderate, PP3, PM1_Supporting, PM2_Supporting, PS3_Supporting).

Baylor Genetics
Classification: Pathogenic for Maturity-onset diabetes of the young type 3. Last evaluated: 2023-01-07. Review status: criteria provided, single submitter. Criteria: ACMG Guidelines, 2015. Collection method: clinical testing. Allele origin: unknown. Not counted in ClinVar's aggregate classification.

Baylor Genetics
Classification: Uncertain significance for Type 1 diabetes mellitus 20. Last evaluated: 2018-01-17. Review status: criteria provided, single submitter. Criteria: ACMG Guidelines, 2015. Collection method: clinical testing. Allele origin: maternal. Affected: yes. Not counted in ClinVar's aggregate classification.
Comment: This variant was determined to be of uncertain significance according to ACMG Guidelines, 2015 [PMID:25741868].

Clinical Genomics, Uppaluri K&H Personalized Medicine Clinic
Classification: Pathogenic for Maturity-onset diabetes of the young. Review status: criteria provided, single submitter. Criteria: K & H Uppaluri Personalized Medicine Clinic Variant Classification & Assertion Criteria_Updated V.1. Collection method: research. Allele origin: unknown. Inheritance: Autosomal dominant inheritance. Not counted in ClinVar's aggregate classification.
Comment: Mutations in HNF1A gene can predispose to MODY3. It is associated with both micro and macrovascular complications of diabetes, especially cardiovascular complications. Associated with glucosuria. May respond well to sulfonylureas. Sufficient evidence is found to confer the association of this particular variant rs1249563793 with MODY3.

Literature cited by the submitters: PubMed 16930618 (cited by Clinical Genomics, Uppaluri K&H Personalized Medicine Clinic).

NM_000545.8(HNF1A):c.58G>A (p.Gly20Arg)

Gene: HNF1A (HNF1 homeobox A; plus strand). Cytogenetic location: 12q24.31.
Variant type: single nucleotide variant.
Coding change: c.58G>A on transcript NM_000545.8 (MANE Select); coding-DNA position 58, G replaced by A.
Protein change: p.Gly20Arg; replaces glycine 20 with arginine.
Molecular consequence: missense variant.
Genome position (GRCh38, 1-based): chr12:120,978,826, G>A. VCF-style: chr12-120978826-G-A. GRCh37 (hg19) VCF-style: chr12-121416629-G-A.
Other names: NM_001306179.2:c.58G>A; c.58G>A, p.Gly20Arg (NM_001306179.2); short protein forms G20R.
Identifiers: ClinVar variation 1033090 (VCV001033090.6), dbSNP rs1249563793, ClinGen allele CA386952577.